The following is an entry in ClinVar:

ClinVar aggregate classification (germline): Uncertain significance (1 of 4 stars; one submission).

Allele frequency attached by ClinVar (database versions not stated): ExAC 0.00001.
gnomAD v4.1: 2 of 1,611,184 alleles (0.00012%); highest among the groups gnomAD compares: Non-Finnish European, 0.00017%; no homozygotes.

Submission:

Ambry Genetics
Classification: Uncertain significance. Last evaluated: 2021-07-26. Review status: criteria provided, single submitter. Criteria: Ambry Variant Classification Scheme 2023. Collection method: clinical testing. Allele origin: germline.
Comment: The p.L12V variant (also known as c.34C>G), located in coding exon 1 of the ALPK2 gene, results from a C to G substitution at nucleotide position 34. The leucine at codon 12 is replaced by valine, an amino acid with highly similar properties. This amino acid position is conserved. In addition, this alteration is predicted to be tolerated by in silico analysis. Since supporting evidence is limited at this time, the clinical significance of this alteration remains unclear.

NM_052947.4(ALPK2):c.34C>G (p.Leu12Val)

Gene: ALPK2 (alpha kinase 2; minus strand). Cytogenetic location: 18q21.32.
Variant type: single nucleotide variant.
Coding change: c.34C>G on transcript NM_052947.4 (MANE Select); coding-DNA position 34, C replaced by G.
Protein change: p.Leu12Val; replaces leucine 12 with valine.
Molecular consequence: missense variant.
Genome position (GRCh38, 1-based): chr18:58,611,764, G>C on the plus strand (C>G on the coding strand, the complement: ALPK2 is on the minus strand). VCF-style: chr18-58611764-G-C. GRCh37 (hg19) VCF-style: chr18-56278996-G-C.
Other names: short protein forms L12V.
Identifiers: ClinVar variation 1732044 (VCV001732044.2), dbSNP rs764193300, ClinGen allele CA8977560.